The following is an entry in ClinVar:

NM_001365276.2(TNXB):c.10832T>C (p.Ile3611Thr)

Genes: TNXB (tenascin XB; minus strand), LOC106780803 (tenascin XB recombination region; plus strand). Cytogenetic location: 6p21.33.
Variant type: single nucleotide variant.
Coding change: c.10832T>C on transcript NM_001365276.2 (MANE Select); coding-DNA position 10832, T replaced by C.
Protein change: p.Ile3611Thr; replaces isoleucine 3611 with threonine.
Molecular consequence: missense variant.
Genome position (GRCh38, 1-based): chr6:32,045,101, A>G on the plus strand (T>C on the coding strand, the complement: TNXB is on the minus strand). VCF-style: chr6-32045101-A-G. GRCh37 (hg19) VCF-style: chr6-32012878-A-G.
Other names: c.10826T>C, p.Ile3609Thr (NM_019105.8); c.119T>C, p.Ile40Thr (NM_032470.4); short protein forms I3609T, I3611T, I40T.
Identifiers: ClinVar variation 2499001 (VCV002499001.28), dbSNP rs758807159, ClinGen allele CA3733126.

ClinVar aggregate classification (germline): Uncertain significance (1 of 4 stars; one submission).

Allele frequency attached by ClinVar (database versions not stated): gnomAD 0.00004; ExAC 0.00006.

Submission:

CeGaT Center for Human Genetics Tuebingen
Classification: Uncertain significance. Last evaluated: 2024-08-01. Review status: criteria provided, single submitter. Criteria: CeGaT Center For Human Genetics Tuebingen Variant Classification Criteria Version 2. Collection method: clinical testing. Allele origin: germline. Affected: yes. Observed: 2 variant alleles.
Comment: TNXB: PM2, PP2, BP4